The following is an entry in ClinVar:

ClinVar aggregate classification (germline): Uncertain significance (1 of 4 stars; one submission).

Conditions:
Combined oxidative phosphorylation defect type 27. Also called: Combined oxidative phosphorylation deficiency 27. Identifiers: Orphanet 477774, MedGen C5567608, MONDO:0014728, OMIM 616672.

Allele frequency attached by ClinVar (database versions not stated): TOPMed below 0.00001; gnomAD 0.00001.
gnomAD v4.1: 11 of 1,592,486 alleles (0.00069%); highest among the groups gnomAD compares: South Asian, 0.0011%; no homozygotes.

Submission:

Labcorp Genetics (formerly Invitae), Labcorp
Classification: Uncertain significance for Combined oxidative phosphorylation defect type 27. Last evaluated: 2024-02-16. Review status: criteria provided, single submitter. Criteria: Invitae Variant Classification Sherloc (09022015). Collection method: clinical testing. Allele origin: germline.
Comment: This sequence change replaces glutamic acid, which is acidic and polar, with lysine, which is basic and polar, at codon 256 of the CARS2 protein (p.Glu256Lys). This variant is present in population databases (no rsID available, gnomAD 0.003%). This variant has not been reported in the literature in individuals affected with CARS2-related conditions. ClinVar contains an entry for this variant (Variation ID: 660016). Advanced modeling of protein sequence and biophysical properties (such as structural, functional, and spatial information, amino acid conservation, physicochemical variation, residue mobility, and thermodynamic stability) performed at Invitae indicates that this missense variant is expected to disrupt CARS2 protein function with a positive predictive value of 80%. In summary, the available evidence is currently insufficient to determine the role of this variant in disease. Therefore, it has been classified as a Variant of Uncertain Significance.

NM_024537.4(CARS2):c.766G>A (p.Glu256Lys)

Gene: CARS2 (cysteinyl-tRNA synthetase 2, mitochondrial; minus strand). Cytogenetic location: 13q34.
Variant type: single nucleotide variant.
Coding change: c.766G>A on transcript NM_024537.4 (MANE Select); coding-DNA position 766, G replaced by A.
Protein change: p.Glu256Lys; replaces glutamic acid 256 with lysine.
Molecular consequence: missense variant. On other transcripts: 5 prime UTR variant (1), non-coding transcript variant (2).
Genome position (GRCh38, 1-based): chr13:110,676,993, C>T on the plus strand (G>A on the coding strand, the complement: CARS2 is on the minus strand). VCF-style: chr13-110676993-C-T. GRCh37 (hg19) VCF-style: chr13-111329340-C-T.
Other names: c.-21G>A (NM_001352252.2); c.766G>A, p.Glu256Lys (NM_001352253.3); short protein forms E256K.
Identifiers: ClinVar variation 660016 (VCV000660016.8), dbSNP rs756239121, ClinGen allele CA256306220.
Genomic context (GRCh38, chr13:110,676,993, plus strand): 5'-GAACTTGAGCCCCAACCCCCAGGAAGCGGCAGGCACCTTACCTAGCGATGGCAGAGCACT[C>T]GATGTGCCAGCCCGGCCTCCCGGGTCCCCAGGGAGAGGCCCAGAACACCTCCTGGGGTTT-3'
Protein context (NP_078813.1, residues 246-266): WGPGRPGWHI[Glu256Lys]CSAIASMVFG